The following is an entry in ClinVar:

ClinVar aggregate classification (germline): Uncertain significance. Review status: criteria provided, multiple submitters, no conflicts (2 of 4 stars). 3 submissions from 3 submitters: Uncertain significance (3). Last evaluated 2024-04-16.

Conditions:
Malignant hyperthermia, susceptibility to, 1 (MHS1). Also called: Anesthesia related hyperthermia; Malignant hyperpyrexia; Fulminating hyperpyrexia; Pharmacogenic myopathy; Malignant hyperthermia suceptibility 1; RYR1-Related Malignant Hyperthermia Susceptibility. Identifiers: Orphanet 423, MedGen C2930980, MONDO:0007783, OMIM 145600.

gnomAD v4.1: 2 of 1,614,174 alleles (0.00012%); highest among the groups gnomAD compares: East Asian, 0.0022%; no homozygotes.

Submissions (3):

All of Us Research Program, National Institutes of Health
Classification: Uncertain significance for Malignant hyperthermia, susceptibility to, 1. Last evaluated: 2024-04-16. Review status: criteria provided, single submitter. Criteria: ACMG Guidelines, 2015. Collection method: clinical testing. Allele origin: germline. Inheritance: Autosomal dominant inheritance. Observed: 2 variant alleles, 2 heterozygotes.
Comment: This missense variant replaces leucine with valine at codon 619 of the RYR1 protein. Computational prediction suggests that this variant may have deleterious impact on protein structure and function (internally defined REVEL score threshold >= 0.7, PMID: 27666373). To our knowledge, functional studies have not been reported for this variant. This variant has not been reported in individuals affected with RYR1-related disorders in the literature. This variant has not been identified in the general population by the Genome Aggregation Database (gnomAD). The available evidence is insufficient to determine the role of this variant in disease conclusively. Therefore, this variant is classified as a Variant of Uncertain Significance.

This study involves interpretation of variants in research participants for the purpose of population health screening. Participant phenotype was not available at the time of variant classification. Additional details can be found in publication PMID: 35346344, PMCID: PMC8962531

GeneDx
Classification: Uncertain significance. Last evaluated: 2024-02-07. Review status: criteria provided, single submitter. Criteria: GeneDx Variant Classification Process June 2021. Collection method: clinical testing. Allele origin: germline. Affected: yes.
Comment: Not observed at significant frequency in large population cohorts (gnomAD); In silico analysis supports that this missense variant has a deleterious effect on protein structure/function; Has not been previously published as pathogenic or benign to our knowledge

CeGaT Center for Human Genetics Tuebingen
Classification: Uncertain significance. Last evaluated: 2016-06-01. Review status: criteria provided, single submitter. Criteria: CeGaT Center For Human Genetics Tuebingen Variant Classification Criteria Version 2. Collection method: clinical testing. Allele origin: germline. Affected: yes. Observed: 1 variant allele.

NM_000540.3(RYR1):c.1855C>G (p.Leu619Val)

Gene: RYR1 (ryanodine receptor 1; plus strand). Cytogenetic location: 19q13.2.
Variant type: single nucleotide variant.
Coding change: c.1855C>G on transcript NM_000540.3 (MANE Select); coding-DNA position 1855, C replaced by G.
Protein change: p.Leu619Val; replaces leucine 619 with valine.
Molecular consequence: missense variant.
Genome position (GRCh38, 1-based): chr19:38,457,560, C>G. VCF-style: chr19-38457560-C-G. GRCh37 (hg19) VCF-style: chr19-38948200-C-G.
Other names: c.1855C>G, p.Leu619Val (NM_001042723.2); c.1855C>G (NM_000540.2); short protein forms L619V.
Identifiers: ClinVar variation 374649 (VCV000374649.45), dbSNP rs1057519184, ClinGen allele CA16043830.